The following is an entry in ClinVar:

NM_006017.3(PROM1):c.161T>C (p.Ile54Thr)

Gene: PROM1 (prominin 1; minus strand). Cytogenetic location: 4p15.32.
Variant type: single nucleotide variant.
Coding change: c.161T>C on transcript NM_006017.3 (MANE Select); coding-DNA position 161, T replaced by C.
Protein change: p.Ile54Thr; replaces isoleucine 54 with threonine.
Molecular consequence: missense variant.
Genome position (GRCh38, 1-based): chr4:16,075,746, A>G on the plus strand (T>C on the coding strand, the complement: PROM1 is on the minus strand). VCF-style: chr4-16075746-A-G. GRCh37 (hg19) VCF-style: chr4-16077369-A-G.
Other names: c.161T>C, p.Ile54Thr (NM_001145847.2, NM_001145848.2, NM_001145849.2 and 6 more transcripts); short protein forms I54T.
Identifiers: ClinVar variation 2159923 (VCV002159923.4), dbSNP rs2531580813, ClinGen allele CA356437802.

ClinVar aggregate classification (germline): Uncertain significance (1 of 4 stars; one submission).

Allele frequency attached by ClinVar (database versions not stated): gnomAD exomes below 0.00001.
gnomAD v4.1: 1 of 1,613,868 alleles (0.000062%); highest among the groups gnomAD compares: Non-Finnish European, 0.000085%; no homozygotes.

Submission:

Labcorp Genetics (formerly Invitae), Labcorp
Classification: Uncertain significance. Last evaluated: 2022-05-24. Review status: criteria provided, single submitter. Criteria: Invitae Variant Classification Sherloc (09022015). Collection method: clinical testing. Allele origin: germline.
Comment: In summary, the available evidence is currently insufficient to determine the role of this variant in disease. Therefore, it has been classified as a Variant of Uncertain Significance. Algorithms developed to predict the effect of missense changes on protein structure and function (SIFT, PolyPhen-2, Align-GVGD) all suggest that this variant is likely to be tolerated. This variant has not been reported in the literature in individuals affected with PROM1-related conditions. This variant is not present in population databases (gnomAD no frequency). This sequence change replaces isoleucine, which is neutral and non-polar, with threonine, which is neutral and polar, at codon 54 of the PROM1 protein (p.Ile54Thr).